The following is an entry in ClinVar:

ClinVar aggregate classification (germline): Uncertain significance (1 of 4 stars; one submission).

Submission:

GeneDx
Classification: Uncertain significance. Last evaluated: 2023-03-15. Review status: criteria provided, single submitter. Criteria: GeneDx Variant Classification Process June 2021. Collection method: clinical testing. Allele origin: germline. Affected: yes.
Comment: Frameshift variant predicted to result in protein truncation or nonsense mediated decay in a gene or region of a gene for which loss of function is not a well-established mechanism of disease; Has not been previously published as pathogenic or benign to our knowledge

NM_032545.4(CFC1):c.81_82del (p.Lys30fs)

Gene: CFC1 (cryptic, EGF-CFC family member 1; minus strand). Cytogenetic location: 2q21.1.
Variant type: Deletion.
Coding change: c.81_82del on transcript NM_032545.4 (MANE Select); coding-DNA positions 81 to 82, 2 bases deleted (AA; older notation c.81_82delAA).
Protein change: p.Lys30fs; shifts the reading frame from lysine 30.
Molecular consequence: frameshift variant.
Genome position (GRCh38, 1-based): chr2:130,598,807-130,598,808, TT deleted on the plus strand (AA on the coding strand, the reverse complement: CFC1 is on the minus strand); deleting any 2 consecutive bases within chr2:130,598,807-130,598,809 gives the same sequence; the c. name uses the placement nearest the transcript's 3' end. VCF-style (leftmost placement, unchanged base first): chr2-130598806-CTT-C. GRCh37 (hg19) VCF-style: chr2-131356379-CTT-C.
Other names: c.81_82del, p.Lys30fs (NM_001270420.2, NM_001270421.2); short protein forms K30fs.
Identifiers: ClinVar variation 2579853 (VCV002579853.1), dbSNP rs768844562, ClinGen allele CA1873123.